The following is an entry in ClinVar:

NM_000271.5(NPC1):c.2103C>T (p.Asn701=)

Gene: NPC1 (NPC intracellular cholesterol transporter 1; minus strand). Cytogenetic location: 18q11.2.
Variant type: single nucleotide variant.
Coding change: c.2103C>T on transcript NM_000271.5 (MANE Select); coding-DNA position 2103, C replaced by T.
Protein change: p.Asn701=; no amino-acid change (asparagine 701 retained).
Molecular consequence: synonymous variant.
Genome position (GRCh38, 1-based): chr18:23,544,371, G>A on the plus strand (C>T on the coding strand, the complement: NPC1 is on the minus strand). VCF-style: chr18-23544371-G-A. GRCh37 (hg19) VCF-style: chr18-21124335-G-A.
Identifiers: ClinVar variation 194159 (VCV000194159.24), dbSNP rs7227375, ClinGen allele CA201000.
Genomic context (GRCh38, chr18:23,544,371, plus strand): 5'-GATGCTGAGCCCTGTGAGAATATGGAAGTATACCTGGTAGGCCTGCACCAGAATGAAGAT[G>A]TTGTCCACTCCAACAGCCAGCACCAGGAACGGGATGACTTCAATCACAATGAGGGTCAAG-3'
Protein context (NP_000262.2, residues 691-711): PFLVLAVGVD[Asn701=]IFILVQAYQR

ClinVar aggregate classification (germline): Benign. Review status: criteria provided, multiple submitters, no conflicts (2 of 4 stars). 7 submissions from 7 submitters: Benign (6). 1 of the submissions does not count toward it. Last evaluated 2026-02-03.

Conditions:
Niemann-Pick disease, type C1. Also called: NEUROVISCERAL STORAGE DISEASE WITH VERTICAL SUPRANUCLEAR OPHTHALMOPLEGIA; NIEMANN-PICK DISEASE WITH CHOLESTEROL ESTERIFICATION BLOCK; NIEMANN-PICK DISEASE WITHOUT SPHINGOMYELINASE DEFICIENCY; NIEMANN-PICK DISEASE, CHRONIC NEURONOPATHIC FORM; NIEMANN-PICK DISEASE, VARIANT TYPE C1. Identifiers: Orphanet 646, MedGen C3179455, MONDO:0009757, OMIM 257220.

Allele frequency attached by ClinVar (database versions not stated): gnomAD exomes 0.00103 and 0.00297; ExAC 0.00363; gnomAD 0.01177 and 0.01251; ESP Exome Variant Server 0.01284; TOPMed 0.01306; 1000 Genomes Project 0.01318; 1000 Genomes Project 30x 0.01546.
gnomAD v4.1: 3,351 of 1,614,106 alleles (0.21%); highest among the groups gnomAD compares: African/African-American, 4%; 61 homozygotes.

Submissions (7):

Labcorp Genetics (formerly Invitae), Labcorp
Classification: Benign for Niemann-Pick disease, type C1. Last evaluated: 2026-02-03. Review status: criteria provided, single submitter. Criteria: Invitae Variant Classification Sherloc (09022015). Collection method: clinical testing. Allele origin: germline.

Fulgent Genetics
Classification: Benign for Niemann-Pick disease, type C1. Last evaluated: 2022-01-28. Review status: criteria provided, single submitter. Criteria: ACMG Guidelines, 2015. Collection method: clinical testing. Allele origin: unknown.

GeneDx
Classification: Benign. Last evaluated: 2019-06-05. Review status: criteria provided, single submitter. Criteria: GeneDx Variant Classification Process June 2021. Collection method: clinical testing. Allele origin: germline. Affected: yes.

Illumina Laboratory Services, Illumina
Classification: Benign for Niemann-Pick disease type C1. Last evaluated: 2018-01-13. Review status: criteria provided, single submitter. Criteria: ICSL Variant Classification Criteria 13 December 2019. Collection method: clinical testing. Allele origin: germline.
Comment: This variant was observed in the ICSL laboratory as part of a predisposition screen in an ostensibly healthy population. It had not been previously curated by ICSL or reported in the Human Gene Mutation Database (HGMD: prior to June 1st, 2018), and was therefore a candidate for classification through an automated scoring system. Utilizing variant allele frequency, disease prevalence and penetrance estimates, and inheritance mode, an automated score was calculated to assess if this variant is too frequent to cause the disease. Based on the score and internal cut-off values, a variant classified as benign is not then subjected to further curation. The score for this variant resulted in a classification of benign for this disease.

Eurofins Ntd Llc (ga)
Classification: Benign. Last evaluated: 2014-05-21. Review status: criteria provided, single submitter. Criteria: EGL Classification Definitions 2015. Collection method: clinical testing. Allele origin: germline. Observed: 1 variant allele, 1 heterozygote.

Breakthrough Genomics
Classification: Benign. Review status: criteria provided, single submitter. Criteria: ACMG Guidelines, 2015. Collection method: not provided. Allele origin: germline. Inheritance: Autosomal recessive inheritance. Affected: yes.

Mayo Clinic Laboratories, Mayo Clinic
Classification: Benign. Last evaluated: 2017-09-27. Review status: no assertion criteria provided. Collection method: clinical testing. Allele origin: unknown. Not counted in ClinVar's aggregate classification.